The following is an entry in ClinVar:

NM_016239.4(MYO15A):c.8161A>C (p.Thr2721Pro)

Gene: MYO15A (myosin XVA; plus strand). Cytogenetic location: 17p11.2.
Variant type: single nucleotide variant.
Coding change: c.8161A>C on transcript NM_016239.4 (MANE Select); coding-DNA position 8161, A replaced by C.
Protein change: p.Thr2721Pro; replaces threonine 2721 with proline.
Molecular consequence: missense variant.
Genome position (GRCh38, 1-based): chr17:18,154,692, A>C. VCF-style: chr17-18154692-A-C. GRCh37 (hg19) VCF-style: chr17-18058006-A-C.
Other names: short protein forms T2721P.
Identifiers: ClinVar variation 2108472 (VCV002108472.4), dbSNP rs2545295605, ClinGen allele CA398625554.

ClinVar aggregate classification (germline): Uncertain significance (1 of 4 stars; one submission).

Submission:

Labcorp Genetics (formerly Invitae), Labcorp
Classification: Uncertain significance. Last evaluated: 2024-04-16. Review status: criteria provided, single submitter. Criteria: Invitae Variant Classification Sherloc (09022015). Collection method: clinical testing. Allele origin: germline.
Comment: This sequence change replaces threonine, which is neutral and polar, with proline, which is neutral and non-polar, at codon 2721 of the MYO15A protein (p.Thr2721Pro). This variant is not present in population databases (gnomAD no frequency). This variant has not been reported in the literature in individuals affected with MYO15A-related conditions. ClinVar contains an entry for this variant (Variation ID: 2108472). Advanced modeling of protein sequence and biophysical properties (such as structural, functional, and spatial information, amino acid conservation, physicochemical variation, residue mobility, and thermodynamic stability) performed at Invitae indicates that this missense variant is not expected to disrupt MYO15A protein function with a negative predictive value of 95%. In summary, the available evidence is currently insufficient to determine the role of this variant in disease. Therefore, it has been classified as a Variant of Uncertain Significance.